The following is an entry in ClinVar:

NM_001458.5(FLNC):c.3866C>T (p.Thr1289Met)

Gene: FLNC (filamin C; plus strand). Cytogenetic location: 7q32.1.
Variant type: single nucleotide variant.
Coding change: c.3866C>T on transcript NM_001458.5 (MANE Select); coding-DNA position 3866, C replaced by T.
Protein change: p.Thr1289Met; replaces threonine 1289 with methionine.
Molecular consequence: missense variant.
Genome position (GRCh38, 1-based): chr7:128,846,065, C>T. VCF-style: chr7-128846065-C-T. GRCh37 (hg19) VCF-style: chr7-128486119-C-T.
Other names: c.3866C>T, p.Thr1289Met (NM_001127487.2); short protein forms T1289M.
Identifiers: ClinVar variation 1041012 (VCV001041012.11), dbSNP rs755896234, ClinGen allele CA4475160.

ClinVar aggregate classification (germline): Conflicting classifications of pathogenicity. Review status: criteria provided, conflicting classifications (1 of 4 stars). 3 submissions from 3 submitters: Uncertain significance (2); Likely benign (1). Last evaluated 2025-03-04.

Conditions:
Distal myopathy with posterior leg and anterior hand involvement. Also called: WILLIAMS DISTAL MYOPATHY. Identifiers: Orphanet 63273, MedGen C3279722, MONDO:0013550, OMIM 614065.
Myofibrillar myopathy 5. Also called: Filaminopathy (type); FILAMINOPATHY, AUTOSOMAL DOMINANT. Identifiers: Orphanet 171445, MedGen C1836050, MONDO:0012289, OMIM 609524.
Hypertrophic cardiomyopathy 26. Also called: Cardiomyopathy, familial hypertrophic, 26. Identifiers: Orphanet 75249, MedGen C4310749, MONDO:0014883, OMIM 617047.
Cardiovascular phenotype. Identifiers: MedGen CN230736.

Allele frequency attached by ClinVar (database versions not stated): gnomAD 0.00003; TOPMed 0.00003.
gnomAD v4.1: 100 of 1,613,822 alleles (0.0062%); highest among the groups gnomAD compares: Non-Finnish European, 0.0078%; no homozygotes.

Submissions (3):

Ambry Genetics
Classification: Uncertain significance for Cardiovascular phenotype. Last evaluated: 2025-03-04. Review status: criteria provided, single submitter. Criteria: Ambry Variant Classification Scheme 2023. Collection method: clinical testing. Allele origin: germline.
Comment: The p.T1289M variant (also known as c.3866C>T), located in coding exon 22 of the FLNC gene, results from a C to T substitution at nucleotide position 3866. The threonine at codon 1289 is replaced by methionine, an amino acid with similar properties. This amino acid position is conserved. In addition, this alteration is predicted to be tolerated by in silico analysis. Since supporting evidence is limited at this time, the clinical significance of this alteration remains unclear.

Labcorp Genetics (formerly Invitae), Labcorp
Classification: Likely benign for Distal myopathy with posterior leg and anterior hand involvement; Myofibrillar myopathy 5; Hypertrophic cardiomyopathy 26. Last evaluated: 2024-07-20. Review status: criteria provided, single submitter. Criteria: Invitae Variant Classification Sherloc (09022015). Collection method: clinical testing. Allele origin: germline.

Clinical Genomics Laboratory, Stanford Medicine
Classification: Uncertain significance for Myofibrillar myopathy 5; Distal myopathy with posterior leg and anterior hand involvement; Hypertrophic cardiomyopathy 26. Last evaluated: 2023-07-03. Review status: criteria provided, single submitter. Criteria: ACMG Guidelines, 2015. Collection method: clinical testing. Allele origin: germline. Observed: 1 variant allele, 1 heterozygote.
Comment: The p.Thr1289Met variant in the FLNC gene has not been previously reported in association with disease. This variant has been identified in 4/19,516 East Asian chromosomes (8/280,166 chromosomes overall) by the Genome Aggregation Database. This variant is present in ClinVar (Accession: VCV001041012.10). The threonine at position 1289 is evolutionarily conserved. Computational tools predict that the p.Thr1289Met variant is neither deleterious nor benign; however, the accuracy of in silico algorithms is limited. These data were assessed using the ACMG/AMP variant interpretation guidelines. In summary, the significance of the p.Thr1289Met variant is uncertain. Additional information is needed to resolve the significance of this variant. [ACMG evidence codes used: None]